The following is an entry in ClinVar:

NM_014324.6(AMACR):c.116C>T (p.Ser39Phe)

Genes: C1QTNF3-AMACR (C1QTNF3-AMACR readthrough (NMD candidate); minus strand), AMACR (alpha-methylacyl-CoA racemase; minus strand). Cytogenetic location: 5p13.2.
Variant type: single nucleotide variant.
Coding change: c.116C>T on transcript NM_014324.6 (MANE Select); coding-DNA position 116, C replaced by T.
Protein change: p.Ser39Phe; replaces serine 39 with phenylalanine.
Molecular consequence: missense variant.
Genome position (GRCh38, 1-based): chr5:34,007,904, G>A on the plus strand (C>T on the coding strand, the complement: AMACR is on the minus strand). VCF-style: chr5-34007904-G-A. GRCh37 (hg19) VCF-style: chr5-34008009-G-A.
Other names: c.116C>T, p.Ser39Phe (NM_001167595.2, NM_203382.3); short protein forms S39F.
Identifiers: ClinVar variation 1405520 (VCV001405520.6), dbSNP rs2112078262, ClinGen allele CA359385302.

ClinVar aggregate classification (germline): Uncertain significance (1 of 4 stars; one submission).

Conditions:
Alpha-methylacyl-CoA racemase deficiency (AMACRD). Also called: AMACR deficiency. Identifiers: Orphanet 79095, MedGen C3280428, MONDO:0013681, OMIM 614307. Disease mechanism: loss of function.

Allele frequency attached by ClinVar (database versions not stated): gnomAD exomes below 0.00001.
gnomAD v4.1: 1 of 1,604,676 alleles (0.000062%); highest among the groups gnomAD compares: South Asian, 0.0011%; no homozygotes.

Submission:

Labcorp Genetics (formerly Invitae), Labcorp
Classification: Uncertain significance for Alpha-methylacyl-CoA racemase deficiency. Last evaluated: 2022-08-23. Review status: criteria provided, single submitter. Criteria: Invitae Variant Classification Sherloc (09022015). Collection method: clinical testing. Allele origin: germline.
Comment: In summary, the available evidence is currently insufficient to determine the role of this variant in disease. Therefore, it has been classified as a Variant of Uncertain Significance. Algorithms developed to predict the effect of missense changes on protein structure and function output the following: SIFT: "Tolerated"; PolyPhen-2: "Benign"; Align-GVGD: "Class C0". The phenylalanine amino acid residue is found in multiple mammalian species, which suggests that this missense change does not adversely affect protein function. ClinVar contains an entry for this variant (Variation ID: 1405520). This variant has not been reported in the literature in individuals affected with AMACR-related conditions. This variant is not present in population databases (gnomAD no frequency). This sequence change replaces serine, which is neutral and polar, with phenylalanine, which is neutral and non-polar, at codon 39 of the AMACR protein (p.Ser39Phe).